The following is an entry in ClinVar:

NM_019066.5(MAGEL2):c.1494G>A (p.Pro498=)

Gene: MAGEL2 (MAGE family member L2; minus strand). Cytogenetic location: 15q11.2.
Variant type: single nucleotide variant.
Coding change: c.1494G>A on transcript NM_019066.5 (MANE Select); coding-DNA position 1494, G replaced by A.
Protein change: p.Pro498=; no amino-acid change (proline 498 retained).
Molecular consequence: synonymous variant.
Genome position (GRCh38, 1-based): chr15:23,646,249, C>T on the plus strand (G>A on the coding strand, the complement: MAGEL2 is on the minus strand). VCF-style: chr15-23646249-C-T. GRCh37 (hg19) VCF-style: chr15-23891396-C-T.
Identifiers: ClinVar variation 4821915 (VCV004821915.4).

ClinVar aggregate classification (germline): Likely benign (1 of 4 stars; one submission).

Submission:

CeGaT Center for Human Genetics Tuebingen
Classification: Likely benign. Last evaluated: 2026-03-01. Review status: criteria provided, single submitter. Criteria: CeGaT Center For Human Genetics Tuebingen Variant Classification Criteria Version 2. Collection method: clinical testing. Allele origin: germline. Affected: yes. Observed: 1 variant allele.
Comment: MAGEL2: BP4, BP7